The following is an entry in ClinVar:

NM_001372044.2(SHANK3):c.3539G>T (p.Ser1180Ile)

Gene: SHANK3 (SH3 and multiple ankyrin repeat domains 3; plus strand). Cytogenetic location: 22q13.33.
Variant type: single nucleotide variant.
Coding change: c.3539G>T on transcript NM_001372044.2 (MANE Select); coding-DNA position 3539, G replaced by T.
Protein change: p.Ser1180Ile; replaces serine 1180 with isoleucine.
Molecular consequence: missense variant.
Genome position (GRCh38, 1-based): chr22:50,721,147, G>T. VCF-style: chr22-50721147-G-T. GRCh37 (hg19) VCF-style: chr22-51159575-G-T.
Other names: c.3314G>T, p.Ser1105Ile (NM_033517.1); short protein forms S1105I, S1180I.
Identifiers: ClinVar variation 3030717 (VCV003030717.2), dbSNP rs1018303916, ClinGen allele CA515261287.

ClinVar aggregate classification (germline): Uncertain significance (0 of 4 stars; one submission).

Conditions:
SHANK3-related disorder. Also called: SHANK3-related condition.

Allele frequency attached by ClinVar (database versions not stated): TOPMed below 0.00001; gnomAD 0.00001.

Submission:

PreventionGenetics, part of Exact Sciences
Classification: Uncertain significance for SHANK3-related condition. Last evaluated: 2024-02-29. Review status: no assertion criteria provided. Collection method: clinical testing. Allele origin: germline.
Comment: The SHANK3 c.3314G>T variant is predicted to result in the amino acid substitution p.Ser1105Ile. To our knowledge, this variant has not been reported in the literature or in a large population database, indicating this variant is rare. At this time, the clinical significance of this variant is uncertain due to the absence of conclusive functional and genetic evidence.